The following is an entry in ClinVar:

ClinVar aggregate classification (germline): Conflicting classifications of pathogenicity. Review status: criteria provided, conflicting classifications (1 of 4 stars). 7 submissions from 7 submitters: Uncertain significance (1); Benign (1); Likely benign (4). 1 of the submissions does not count toward it. Last evaluated 2026-03-27.

Conditions:
TBX5-related disorder. Also called: TBX5-related condition.
Aortic valve disease 2 (AOVD2). Identifiers: MedGen C3542024, MONDO:0013902, OMIM 614823.
Holt-Oram syndrome (HOS). Also called: TBX5-Related Holt-Oram Syndrome; Ventriculo-radial syndrome; Cardiac-limb syndrome; Heart-hand syndrome, type 1. Identifiers: Orphanet 392, MedGen C0265264, MONDO:0007732, OMIM 142900.
Cardiovascular phenotype. Identifiers: MedGen CN230736.

Allele frequency attached by ClinVar (database versions not stated): ExAC 0.00020; gnomAD exomes 0.00021; ESP Exome Variant Server 0.00023; TOPMed 0.00028; gnomAD 0.00030; 1000 Genomes Project 0.00040; 1000 Genomes Project 30x 0.00047.

Submissions (7):

Molecular Diagnostic Laboratory for Inherited Cardiovascular Disease, Montreal Heart Institute
Classification: Likely benign. Last evaluated: 2026-03-27. Review status: criteria provided, single submitter. Criteria: ACMG Guidelines, 2015. Collection method: clinical testing. Allele origin: germline. Affected: no.
Comment: BS1;BP4

Labcorp Genetics (formerly Invitae), Labcorp
Classification: Likely benign for Aortic valve disease 2. Last evaluated: 2025-07-29. Review status: criteria provided, single submitter. Criteria: Invitae Variant Classification Sherloc (09022015). Collection method: clinical testing. Allele origin: germline.

Blueprint Genetics
Classification: Likely benign. Last evaluated: 2024-08-12. Review status: criteria provided, single submitter. Criteria: ACMG Guidelines, 2015. Collection method: clinical testing. Allele origin: germline.

GeneDx
Classification: Uncertain significance. Last evaluated: 2022-02-26. Review status: criteria provided, single submitter. Criteria: GeneDx Variant Classification Process June 2021. Collection method: clinical testing. Allele origin: germline. Affected: yes.
Comment: In silico analysis supports that this missense variant does not alter protein structure/function; This variant is associated with the following publications: (PMID: 26219450, 25260786, 26762269, 29966037, 34426522, 25263169)

Ambry Genetics
Classification: Likely benign for Cardiovascular phenotype. Last evaluated: 2017-12-27. Review status: criteria provided, single submitter. Criteria: Ambry Variant Classification Scheme 2023. Collection method: clinical testing. Allele origin: germline.

Illumina Laboratory Services, Illumina
Classification: Benign for Holt-Oram syndrome. Last evaluated: 2017-10-17. Review status: criteria provided, single submitter. Criteria: ICSL Variant Classification Criteria 13 December 2019. Collection method: clinical testing. Allele origin: germline.
Comment: This variant was observed as part of a predisposition screen in an ostensibly healthy population. A literature search was performed for the gene, cDNA change, and amino acid change (where applicable). Publications were found based on this search. The evidence from the literature, in combination with allele frequency data from public databases where available, was sufficient to rule this variant out of causing disease. Therefore, this variant is classified as benign.

PreventionGenetics, part of Exact Sciences
Classification: Uncertain significance for TBX5-related condition. Last evaluated: 2024-08-09. Review status: no assertion criteria provided. Collection method: clinical testing. Allele origin: germline. Not counted in ClinVar's aggregate classification.
Comment: The TBX5 c.1115C>T variant is predicted to result in the amino acid substitution p.Ser372Leu. This variant was reported as an inherited variant in an individual with bicuspid aortic valve (Table 1. Bonachea et al. 2014. PubMed ID: 25260786), in two individuals with paroxysmal atrial fibrillation (AF; Table 3. Ma et al. 2016. PubMed ID: 26762269), and in a fetus with congenital diaphragmatic hernia (Table 1. Kammoun et al. 2018. PubMed ID: 29966037). This variant was also reported as a maternally-inherited variant in an individual with tetralogy of fallot, ostium secundum atrial septal defect, and progressive arrhythmic changes on ECG whose mother was asymptomatic, but upon clinical examination revealed frequent ventricular extrasystoles and an atrial septal aneurysm (Baban et al. 2014. PubMed ID: 25263169). Functional studies of this variant revealed it led to an increase in protein function (Baban et al. 2014. PubMed ID: 25263169) and enhanced expression of AF-related proteins ANP and Cx40 (Ma et al. 2016. PubMed ID: 26762269). This variant is reported in 0.035% of alleles in individuals of European (Non-Finnish) descent in gnomAD, which may be too common to be a primary cause of disease. At this time, the clinical significance of this variant is uncertain due to the absence of conclusive functional and genetic evidence.

Literature cited by the submitters: PubMed 26219450 (cited by Illumina Laboratory Services, Illumina); PubMed 25260786 (cited by Illumina Laboratory Services, Illumina); PubMed 26762269 (cited by Illumina Laboratory Services, Illumina); PubMed 25263169 (cited by Illumina Laboratory Services, Illumina).

NM_181486.4(TBX5):c.1115C>T (p.Ser372Leu)

Gene: TBX5 (T-box transcription factor 5; minus strand). Cytogenetic location: 12q24.21.
Variant type: single nucleotide variant.
Coding change: c.1115C>T on transcript NM_181486.4 (MANE Select); coding-DNA position 1115, C replaced by T.
Protein change: p.Ser372Leu; replaces serine 372 with leucine.
Molecular consequence: missense variant.
Genome position (GRCh38, 1-based): chr12:114,355,974, G>A on the plus strand (C>T on the coding strand, the complement: TBX5 is on the minus strand). VCF-style: chr12-114355974-G-A. GRCh37 (hg19) VCF-style: chr12-114793779-G-A.
Other names: c.1115C>T, p.Ser372Leu (NM_000192.3); c.965C>T, p.Ser322Leu (NM_080717.4); short protein forms S372L, S322L.
Identifiers: ClinVar variation 477655 (VCV000477655.20), dbSNP rs143068551, ClinGen allele CA6809407.
Genomic context (GRCh38, chr12:114,355,974, plus strand): 5'-CTGGGCACAGGCTCGCTGGGGGGCGCAGAGCTGGCATACATGCAAGCTTGCCGCTGTGCC[G>A]ACTCTGTCCTGTAGGAGGCACCCAGGCCCTGCTGCTGTGGATAGCTAGAGCGGTAGAAGG-3'
Protein context (NP_852259.1, residues 362-382): QGLGASYRTE[Ser372Leu]AQRQACMYAS